The following is an entry in ClinVar:

ClinVar aggregate classification (germline): Uncertain significance (1 of 4 stars; one submission).

Submission:

Women's Health and Genetics/Laboratory Corporation of America, LabCorp
Classification: Uncertain significance. Last evaluated: 2026-05-18. Review status: criteria provided, single submitter. Criteria: LabCorp Variant Classification Summary - May 2015. Collection method: clinical testing. Allele origin: germline.
Comment: Variant summary: ACAN c.4364_4420del57 (p.Glu1455_Gly1473del) results in an in-frame deletion that is predicted to remove 19 amino acids from the encoded protein. The frequency data for this variant in gnomAD is considered unreliable, as metrics indicate poor data quality at this position. To our knowledge, no occurrence of c.4364_4420del57 in individuals affected with ACAN-related conditions and no experimental evidence demonstrating its impact on protein function have been reported. No submitters have cited clinical-significance assessments for this variant to ClinVar. Based on the evidence outlined above, the variant was classified as uncertain significance.

NM_001369268.1(ACAN):c.4364_4420del (p.Glu1455_Gly1473del)

Gene: ACAN (aggrecan; plus strand). Cytogenetic location: 15q26.1.
Variant type: Deletion.
Coding change: c.4364_4420del on transcript NM_001369268.1 (MANE Select); coding-DNA positions 4364 to 4420, 57 bases deleted.
Protein change: p.Glu1455_Gly1473del.
Molecular consequence: inframe deletion.
Genome position (GRCh38, 1-based): chr15:88,856,949-88,857,005, 57 bases deleted. GRCh37 (hg19): chr15:89,400,180-89,400,236.
Other names: c.4364_4420del57 (NM_001369268.1); c.4364_4420del, p.Glu1455_Gly1473del (NM_001135.4, NM_001411096.1, NM_001411097.1 and 1 more transcripts).
Identifiers: ClinVar variation 4853008 (VCV004853008.1).